The following is an entry in ClinVar:

ClinVar aggregate classification (germline): Uncertain significance (1 of 4 stars; one submission).

Conditions:
DOCK2 deficiency. Also called: Immunodeficiency 40. Identifiers: Orphanet 447737, MedGen C4225328, MONDO:0014637, OMIM 616433.

gnomAD v4.1: 7 of 1,614,230 alleles (0.00043%); highest among the groups gnomAD compares: Non-Finnish European, 0.00059%; no homozygotes.

Submission:

Labcorp Genetics (formerly Invitae), Labcorp
Classification: Uncertain significance for DOCK2 deficiency. Last evaluated: 2024-07-01. Review status: criteria provided, single submitter. Criteria: Invitae Variant Classification Sherloc (09022015). Collection method: clinical testing. Allele origin: germline.
Comment: This sequence change replaces isoleucine, which is neutral and non-polar, with leucine, which is neutral and non-polar, at codon 1513 of the DOCK2 protein (p.Ile1513Leu). This variant is not present in population databases (gnomAD no frequency). This variant has not been reported in the literature in individuals affected with DOCK2-related conditions. An algorithm developed to predict the effect of missense changes on protein structure and function (PolyPhen-2) suggests that this variant is likely to be tolerated. In summary, the available evidence is currently insufficient to determine the role of this variant in disease. Therefore, it has been classified as a Variant of Uncertain Significance.

NM_004946.3(DOCK2):c.4537A>T (p.Ile1513Leu)

Gene: DOCK2 (dedicator of cytokinesis 2; plus strand). Cytogenetic location: 5q35.1.
Variant type: single nucleotide variant.
Coding change: c.4537A>T on transcript NM_004946.3 (MANE Select); coding-DNA position 4537, A replaced by T.
Protein change: p.Ile1513Leu; replaces isoleucine 1513 with leucine.
Molecular consequence: missense variant. On other transcripts: non-coding transcript variant (1).
Genome position (GRCh38, 1-based): chr5:170,067,579, A>T. VCF-style: chr5-170067579-A-T. GRCh37 (hg19) VCF-style: chr5-169494583-A-T.
Other names: short protein forms I1513L.
Identifiers: ClinVar variation 3624791 (VCV003624791.2).